The following is an entry in ClinVar:

ClinVar aggregate classification (germline): Pathogenic (1 of 4 stars; one submission).

Conditions:
Hereditary cancer-predisposing syndrome. Also called: Neoplastic Syndromes, Hereditary; Tumor predisposition; Hereditary neoplastic syndrome; Hereditary Cancer Syndrome. Identifiers: Orphanet 140162, MedGen C0027672, MeSH D009386, MONDO:0015356.

Submission:

Ambry Genetics
Classification: Pathogenic for Hereditary cancer-predisposing syndrome. Last evaluated: 2018-09-26. Review status: criteria provided, single submitter. Criteria: Ambry Variant Classification Scheme 2023. Collection method: clinical testing. Allele origin: germline.
Comment: The c.4061_4064delATAA pathogenic mutation, located in coding exon 9 of the BRCA1 gene, results from a deletion of 4 nucleotides at nucleotide positions 4061 to 4064, causing a translational frameshift with a predicted alternate stop codon (p.N1354Ifs*11). This alteration is expected to result in loss of function by premature protein truncation or nonsense-mediated mRNA decay. As such, this alteration is interpreted as a disease-causing mutation.

NM_007294.4(BRCA1):c.4061_4064del (p.Asn1354fs)

Genes: BRCA1 (BRCA1 DNA repair associated; minus strand), LOC126862571 (BRD4-independent group 4 enhancer GRCh37_chr17:41243136-41244335; plus strand). Cytogenetic location: 17q21.31.
Variant type: Deletion.
Coding change: c.4061_4064del on transcript NM_007294.4 (MANE Select); coding-DNA positions 4061 to 4064, 4 bases deleted (ATAA; older notation c.4061_4064delATAA).
Protein change: p.Asn1354fs; shifts the reading frame from asparagine 1354.
Molecular consequence: frameshift variant. On other transcripts: intron variant (135).
Genome position (GRCh38, 1-based): chr17:43,091,467-43,091,470, TTAT deleted on the plus strand (ATAA on the coding strand, the reverse complement: BRCA1 is on the minus strand); deleting any 4 consecutive bases within chr17:43,091,467-43,091,472 gives the same sequence; the c. name uses the placement nearest the transcript's 3' end. VCF-style (leftmost placement, unchanged base first): chr17-43091466-ATTAT-A. GRCh37 (hg19) VCF-style: chr17-41243483-ATTAT-A.
Other names: c.4061_4064delATAA (NM_007294.3); c.4061_4064del, p.Asn1354fs (NM_001407605.1, NM_001407616.1, NM_001407617.1 and 30 more transcripts); c.4058_4061del, p.Asn1353fs (NM_001407610.1, NM_001407611.1, NM_001407612.1 and 22 more transcripts); c.4052_4055del, p.Asn1351fs (NM_001407646.1, NM_001407647.1); c.3938_3941del, p.Asn1313fs (NM_001407648.1, NM_001407664.1, NM_001407665.1 and 19 more transcripts); c.3935_3938del, p.Asn1312fs (NM_001407649.1, NM_001407670.1, NM_001407671.1 and 11 more transcripts); c.3983_3986del, p.Asn1328fs (NM_001407653.1, NM_001407654.1, NM_001407655.1 and 4 more transcripts); c.3980_3983del, p.Asn1327fs (NM_001407659.1, NM_001407660.1, NM_001407661.1 and 1 more transcripts); and 42 more; short protein forms N1307fs, N1354fs, N1186fs, N1226fs, N1313fs, N1353fs, N1242fs, N1265fs.
Identifiers: ClinVar variation 824552 (VCV000824552.5), dbSNP rs1597859595, ClinGen allele CA915950085.